The following is an entry in ClinVar:

NM_000383.4(AIRE):c.850G>A (p.Ala284Thr)

Gene: AIRE (autoimmune regulator; plus strand). Cytogenetic location: 21q22.3.
Variant type: single nucleotide variant.
Coding change: c.850G>A on transcript NM_000383.4 (MANE Select); coding-DNA position 850, G replaced by A.
Protein change: p.Ala284Thr; replaces alanine 284 with threonine.
Molecular consequence: missense variant.
Genome position (GRCh38, 1-based): chr21:44,290,039, G>A. VCF-style: chr21-44290039-G-A. GRCh37 (hg19) VCF-style: chr21-45709922-G-A.
Other names: short protein forms A284T.
Identifiers: ClinVar variation 859240 (VCV000859240.7), dbSNP rs1311252316, ClinGen allele CA410424708.

ClinVar aggregate classification (germline): Uncertain significance. Review status: criteria provided, single submitter (1 of 4 stars). 2 submissions from 2 submitters: Uncertain significance (1). 1 of the submissions does not count toward it. Last evaluated 2021-08-31.

Conditions:
Polyglandular autoimmune syndrome, type 1 (APS1). Also called: Autoimmune polyendocrinopathy syndrome, type I; Autoimmune polyendocrinopathy syndrome , type I, with or without reversible metaphyseal dysplasia; HYPOADRENOCORTICISM WITH HYPOPARATHYROIDISM AND SUPERFICIAL MONILIASIS; Autoimmune polyendocrine syndrome type 1; AUTOIMMUNE POLYENDOCRINE SYNDROME, TYPE I, WITH OR WITHOUT REVERSIBLE METAPHYSEAL DYSPLASIA; PGA I. Identifiers: Orphanet 3453, MedGen C0085859, MONDO:0009411, OMIM 240300.

Allele frequency attached by ClinVar (database versions not stated): gnomAD exomes below 0.00001.

Submissions (2):

Labcorp Genetics (formerly Invitae), Labcorp
Classification: Uncertain significance for Polyglandular autoimmune syndrome, type 1. Last evaluated: 2021-08-31. Review status: criteria provided, single submitter. Criteria: Invitae Variant Classification Sherloc (09022015). Collection method: clinical testing. Allele origin: germline.
Comment: This sequence change replaces alanine with threonine at codon 284 of the AIRE protein (p.Ala284Thr). The alanine residue is moderately conserved and there is a small physicochemical difference between alanine and threonine. This variant is not present in population databases (ExAC no frequency). This variant has not been reported in the literature in individuals affected with AIRE-related conditions. Algorithms developed to predict the effect of missense changes on protein structure and function output the following: SIFT: "Tolerated"; PolyPhen-2: "Benign"; Align-GVGD: "Class C0". The threonine amino acid residue is found in multiple mammalian species, which suggests that this missense change does not adversely affect protein function. In summary, the available evidence is currently insufficient to determine the role of this variant in disease. Therefore, it has been classified as a Variant of Uncertain Significance.

Natera, Inc.
Classification: Uncertain significance for Polyglandular autoimmune syndrome type 1. Last evaluated: 2020-02-13. Review status: no assertion criteria provided. Collection method: clinical testing. Allele origin: germline. Not counted in ClinVar's aggregate classification.